The following is an entry in ClinVar:

NM_006031.6(PCNT):c.8967C>T (p.Leu2989=)

Gene: PCNT (pericentrin; plus strand). Cytogenetic location: 21q22.3.
Variant type: single nucleotide variant.
Coding change: c.8967C>T on transcript NM_006031.6 (MANE Select); coding-DNA position 8967, C replaced by T.
Protein change: p.Leu2989=; no amino-acid change (leucine 2989 retained).
Molecular consequence: synonymous variant.
Genome position (GRCh38, 1-based): chr21:46,436,119, C>T. VCF-style: chr21-46436119-C-T. GRCh37 (hg19) VCF-style: chr21-47856032-C-T.
Other names: c.8967C>T (NM_006031.5); c.8376C>T, p.Leu2792= (NM_001315529.2).
Identifiers: ClinVar variation 2780788 (VCV002780788.5), dbSNP rs1480554688, ClinGen allele CA513175849.
Genomic context (GRCh38, chr21:46,436,119, plus strand): 5'-GGAACAGCAGCGAGAGCTGGAGGCGATGAGGCAGCGGCTGCTCTCTGCCGCCCGGCTTCT[C>T]ACCAGCTTCACCAGCCAGGCCGTGGACAGGTGTGCACCCACGCCACCTGGCGCTCACTGG-3'
Protein context (NP_006022.3, residues 2979-2999): RQRLLSAARL[Leu2989=]TSFTSQAVDR

ClinVar aggregate classification (germline): Likely benign. Review status: criteria provided, single submitter (1 of 4 stars). 2 submissions from 2 submitters: Likely benign (1). 1 of the submissions does not count toward it. Last evaluated 2024-02-07.

Conditions:
PCNT-related disorder. Also called: PCNT-related condition.

Allele frequency attached by ClinVar (database versions not stated): gnomAD exomes 0.00001.
gnomAD v4.1: 3 of 1,609,380 alleles (0.00019%); highest among the groups gnomAD compares: Admixed American, 0.005%; no homozygotes.

Submissions (2):

Labcorp Genetics (formerly Invitae), Labcorp
Classification: Likely benign. Last evaluated: 2024-02-07. Review status: criteria provided, single submitter. Criteria: Invitae Variant Classification Sherloc (09022015). Collection method: clinical testing. Allele origin: germline.

PreventionGenetics, part of Exact Sciences
Classification: Likely benign for PCNT-related condition. Last evaluated: 2022-01-18. Review status: no assertion criteria provided. Collection method: clinical testing. Allele origin: germline. Not counted in ClinVar's aggregate classification.
Comment: This variant is classified as likely benign based on ACMG/AMP sequence variant interpretation guidelines (Richards et al. 2015 PMID: 25741868, with internal and published modifications).